The following is an entry in ClinVar:

ClinVar aggregate classification (germline): Benign. Review status: criteria provided, multiple submitters, no conflicts (2 of 4 stars). 5 submissions from 5 submitters: Benign (5). Last evaluated 2025-12-22.

Conditions:
Inborn genetic diseases. Identifiers: MedGen C0950123, MeSH D030342.
Kleefstra syndrome 1 (KLEFS1). Identifiers: Orphanet 261494, MedGen C0795833, MONDO:0027407, OMIM 610253.

Allele frequency attached by ClinVar (database versions not stated): gnomAD 0.00006 and 0.00047; TOPMed 0.00008; gnomAD exomes 0.00142; ExAC 0.00170; 1000 Genomes Project 30x 0.00281; 1000 Genomes Project 0.00339.
gnomAD v4.1: 1,109 of 1,614,016 alleles (0.069%); highest among the groups gnomAD compares: South Asian, 1.1%; 18 homozygotes.

Submissions (5):

Labcorp Genetics (formerly Invitae), Labcorp
Classification: Benign for Kleefstra syndrome 1. Last evaluated: 2025-12-22. Review status: criteria provided, single submitter. Criteria: Invitae Variant Classification Sherloc (09022015). Collection method: clinical testing. Allele origin: germline.

CeGaT Center for Human Genetics Tuebingen
Classification: Benign. Last evaluated: 2024-09-01. Review status: criteria provided, single submitter. Criteria: CeGaT Center For Human Genetics Tuebingen Variant Classification Criteria Version 2. Collection method: clinical testing. Allele origin: germline. Affected: yes. Observed: 4 variant alleles.
Comment: EHMT1: BP4, BP7, BS1, BS2

GeneDx
Classification: Benign. Last evaluated: 2020-10-30. Review status: criteria provided, single submitter. Criteria: GeneDx Variant Classification Process June 2021. Collection method: clinical testing. Allele origin: germline. Affected: yes.

Ambry Genetics
Classification: Benign for Inborn genetic diseases. Last evaluated: 2016-09-09. Review status: criteria provided, single submitter. Criteria: Ambry Variant Classification Scheme 2023. Collection method: clinical testing. Allele origin: germline.

Genetic Services Laboratory, University of Chicago
Classification: Benign. Last evaluated: 2016-07-01. Review status: criteria provided, single submitter. Criteria: ACMG Guidelines, 2015. Collection method: clinical testing. Allele origin: germline. Affected: no.

NM_024757.5(EHMT1):c.1950C>T (p.Thr650=)

Gene: EHMT1 (euchromatic histone lysine methyltransferase 1; plus strand). Cytogenetic location: 9q34.3.
Variant type: single nucleotide variant.
Coding change: c.1950C>T on transcript NM_024757.5 (MANE Select); coding-DNA position 1950, C replaced by T.
Protein change: p.Thr650=; no amino-acid change (threonine 650 retained).
Molecular consequence: synonymous variant.
Genome position (GRCh38, 1-based): chr9:137,776,776, C>T. VCF-style: chr9-137776776-C-T. GRCh37 (hg19) VCF-style: chr9-140671228-C-T.
Other names: c.1950C>T, p.Thr650= (NM_001145527.2); c.1857C>T, p.Thr619= (NM_001354259.2); c.1929C>T, p.Thr643= (NM_001354263.2).
Identifiers: ClinVar variation 210918 (VCV000210918.46), dbSNP rs199839806, ClinGen allele CA209012.
Genomic context (GRCh38, chr9:137,776,776, plus strand): 5'-TGGGGAGGAGAGCTCCAAGGCCAAAGAGGTGACGATAGCTAAAGCAGACACCACCTCGAC[C>T]GTGACACCAGTCCCCGGGCAGGAGAAGGGCTCGGCCCTGGAGGGCAGGGCCGACACCACA-3'
Protein context (NP_079033.4, residues 640-660): VTIAKADTTS[Thr650=]VTPVPGQEKG